The following is an entry in ClinVar:

ClinVar aggregate classification (germline): Likely benign (1 of 4 stars; one submission).

Conditions:
PLXNA3-related disorder. Also called: PLXNA3-related condition.

Submission:

PreventionGenetics, part of Exact Sciences
Classification: Likely benign for PLXNA3-related condition. Last evaluated: 2026-06-25. Review status: criteria provided, single submitter. Criteria: ACMG Guidelines, 2015. Collection method: clinical testing. Allele origin: germline.
Comment: This variant is classified as likely benign based on ACMG/AMP sequence variant interpretation guidelines (Richards et al. 2015 PMID: 25741868, with internal and published modifications).

NM_017514.5(PLXNA3):c.2220C>T (p.Ser740=)

Gene: PLXNA3 (plexin A3; plus strand). Cytogenetic location: Xq28.
Variant type: single nucleotide variant.
Coding change: c.2220C>T on transcript NM_017514.5 (MANE Select); coding-DNA position 2220, C replaced by T.
Protein change: p.Ser740=; no amino-acid change (serine 740 retained).
Molecular consequence: synonymous variant.
Genome position (GRCh38, 1-based): chrX:154,465,194, C>T. VCF-style: chrX-154465194-C-T. GRCh37 (hg19) VCF-style: chrX-153693537-C-T.
Identifiers: ClinVar variation 4992021 (VCV004992021.1).